The following is an entry in ClinVar:

ClinVar aggregate classification (germline): Uncertain significance. Review status: criteria provided, multiple submitters, no conflicts (2 of 4 stars). 2 submissions from 2 submitters: Uncertain significance (2). Last evaluated 2026-04-08.

Conditions:
Combined immunodeficiency due to DOCK8 deficiency (HIES2). Also called: HIES autosomal recessive; DOCK8 Deficiency; Hyper-IgE recurrent infection syndrome, autosomal recessive; HYPER-IgE SYNDROME 2, AUTOSOMAL RECESSIVE, WITH RECURRENT INFECTIONS; HYPER-IgE RECURRENT INFECTION SYNDROME 2, AUTOSOMAL RECESSIVE. Identifiers: Orphanet 217390, MedGen C4722305, MONDO:0009478, OMIM 243700.

Allele frequency attached by ClinVar (database versions not stated): TOPMed below 0.00001; ExAC 0.00001; gnomAD exomes 0.00002.
gnomAD v4.1: 5 of 1,614,202 alleles (0.00031%); highest among the groups gnomAD compares: Admixed American, 0.0067%; no homozygotes.

Submissions (2):

Women's Health and Genetics/Laboratory Corporation of America, LabCorp
Classification: Uncertain significance. Last evaluated: 2026-04-08. Review status: criteria provided, single submitter. Criteria: LabCorp Variant Classification Summary - May 2015. Collection method: clinical testing. Allele origin: germline.
Comment: Variant summary: DOCK8 c.4276A>G (p.Ser1426Gly) results in a non-conservative amino acid change in the encoded protein sequence. Algorithms developed to predict the effect of missense changes on protein structure and function are either unavailable or do not agree on the potential impact of this missense change. The variant allele was found at a frequency of 1.6e-05 in 251382 control chromosomes. The available data on variant occurrences in the general population are insufficient to allow any conclusion about variant significance. To our knowledge, no occurrence of c.4276A>G in individuals affected with DOCK8-related conditions and no experimental evidence demonstrating its impact on protein function have been reported. ClinVar contains an entry for this variant (Variation ID: 963257). Based on the evidence outlined above, the variant was classified as uncertain significance.

Labcorp Genetics (formerly Invitae), Labcorp
Classification: Uncertain significance for Combined immunodeficiency due to DOCK8 deficiency. Last evaluated: 2022-07-25. Review status: criteria provided, single submitter. Criteria: Invitae Variant Classification Sherloc (09022015). Collection method: clinical testing. Allele origin: germline.
Comment: This sequence change replaces serine, which is neutral and polar, with glycine, which is neutral and non-polar, at codon 1426 of the DOCK8 protein (p.Ser1426Gly). In summary, the available evidence is currently insufficient to determine the role of this variant in disease. Therefore, it has been classified as a Variant of Uncertain Significance. Algorithms developed to predict the effect of missense changes on protein structure and function (SIFT, PolyPhen-2, Align-GVGD) all suggest that this variant is likely to be tolerated. ClinVar contains an entry for this variant (Variation ID: 963257). This variant has not been reported in the literature in individuals affected with DOCK8-related conditions. This variant is present in population databases (rs755182322, gnomAD 0.01%).

NM_203447.4(DOCK8):c.4276A>G (p.Ser1426Gly)

Gene: DOCK8 (dedicator of cytokinesis 8; plus strand). Cytogenetic location: 9p24.3.
Variant type: single nucleotide variant.
Coding change: c.4276A>G on transcript NM_203447.4 (MANE Select); coding-DNA position 4276, A replaced by G.
Protein change: p.Ser1426Gly; replaces serine 1426 with glycine.
Molecular consequence: missense variant.
Genome position (GRCh38, 1-based): chr9:426,919, A>G. VCF-style: chr9-426919-A-G. GRCh37 (hg19) VCF-style: chr9-426919-A-G.
Other names: c.3976A>G, p.Ser1326Gly (NM_001190458.2); c.4072A>G, p.Ser1358Gly (NM_001193536.2); short protein forms S1326G, S1358G, S1426G.
Identifiers: ClinVar variation 963257 (VCV000963257.11), dbSNP rs755182322, ClinGen allele CA4959023.
Genomic context (GRCh38, chr9:426,919, plus strand): 5'-TAATTTGACCTCTTGTTGTTTCCTAGAACAAAGGCCGAGTTAGATCAAGAAGCCTTGATC[A>G]GTGGCAATCTGGCTACAGAAGCACATTTAATCATCCTGGATATGCAGGAAAACATTATCC-3'
Protein context (NP_982272.2, residues 1416-1436): KAELDQEALI[Ser1426Gly]GNLATEAHLI